The following is an entry in ClinVar:

NM_001079866.2(BCS1L):c.58T>C (p.Phe20Leu)

Gene: BCS1L (BCS1 ubiquinol-cytochrome c reductase complex chaperone; plus strand). Cytogenetic location: 2q35.
Variant type: single nucleotide variant.
Coding change: c.58T>C on transcript NM_001079866.2 (MANE Select); coding-DNA position 58, T replaced by C.
Protein change: p.Phe20Leu; replaces phenylalanine 20 with leucine.
Molecular consequence: missense variant. On other transcripts: 5 prime UTR variant (5), non-coding transcript variant (1), intron variant (3).
Genome position (GRCh38, 1-based): chr2:218,661,045, T>C. VCF-style: chr2-218661045-T-C. GRCh37 (hg19) VCF-style: chr2-219525768-T-C.
Other names: c.58T>C, p.Phe20Leu (NM_001257342.2, NM_001257343.2, NM_001257344.2 and 10 more transcripts); c.-419T>C (NM_001371453.1, NM_001371454.1, NM_001371455.1 and 2 more transcripts); c.-41+297T>C (NM_001371451.1); c.-40-361T>C (NM_001318836.2); c.-41-714T>C (NM_001371452.1); short protein forms F20L.
Identifiers: ClinVar variation 4082654 (VCV004082654.1).

ClinVar aggregate classification (germline): Uncertain significance (1 of 4 stars; one submission).

gnomAD v4.1: 34 of 1,614,062 alleles (0.0021%); highest among the groups gnomAD compares: Non-Finnish European, 0.0029%; no homozygotes.

Submission:

GeneDx
Classification: Uncertain significance. Last evaluated: 2025-03-11. Review status: criteria provided, single submitter. Criteria: GeneDx Variant Classification Process June 2021. Collection method: clinical testing. Allele origin: germline. Affected: yes.
Comment: Not observed at significant frequency in large population cohorts (gnomAD); In silico analysis supports that this missense variant has a deleterious effect on protein structure/function; Has not been previously published as pathogenic or benign to our knowledge